The following is an entry in ClinVar:

ClinVar aggregate classification (germline): Uncertain significance. Review status: criteria provided, multiple submitters, no conflicts (2 of 4 stars). 3 submissions from 3 submitters: Uncertain significance (3). Last evaluated 2025-07-18.

Conditions:
Colorectal cancer. Also called: Malignant Colorectal Neoplasm; Colorectal cancer, somatic. Identifiers: MedGen C0346629, MONDO:0005575, OMIM 114500.
Hereditary cancer-predisposing syndrome. Also called: Neoplastic Syndromes, Hereditary; Hereditary neoplastic syndrome; Tumor predisposition; Hereditary Cancer Syndrome. Identifiers: Orphanet 140162, MedGen C0027672, MeSH D009386, MONDO:0015356.
Oligodontia-cancer predisposition syndrome. Also called: TOOTH AGENESIS-COLORECTAL CANCER SYNDROME. Identifiers: Orphanet 300576, MedGen C1837750, MONDO:0012075, OMIM 608615. Disease mechanism: loss of function.

Submissions (3):

Ambry Genetics
Classification: Uncertain significance for Hereditary cancer-predisposing syndrome. Last evaluated: 2025-07-18. Review status: criteria provided, single submitter. Criteria: Ambry Variant Classification Scheme 2023. Collection method: clinical testing. Allele origin: germline.
Comment: The p.L197H variant (also known as c.590T>A), located in coding exon 1 of the AXIN2 gene, results from a T to A substitution at nucleotide position 590. The leucine at codon 197 is replaced by histidine, an amino acid with similar properties. This amino acid position is conserved. In addition, the in silico prediction for this alteration is inconclusive. Based on the available evidence, the clinical significance of this variant remains unclear.

Labcorp Genetics (formerly Invitae), Labcorp
Classification: Uncertain significance for Oligodontia-cancer predisposition syndrome. Last evaluated: 2023-07-24. Review status: criteria provided, single submitter. Criteria: Invitae Variant Classification Sherloc (09022015). Collection method: clinical testing. Allele origin: germline.
Comment: This sequence change replaces leucine, which is neutral and non-polar, with histidine, which is basic and polar, at codon 197 of the AXIN2 protein (p.Leu197His). This variant is not present in population databases (gnomAD no frequency). This variant has not been reported in the literature in individuals affected with AXIN2-related conditions. Advanced modeling of protein sequence and biophysical properties (such as structural, functional, and spatial information, amino acid conservation, physicochemical variation, residue mobility, and thermodynamic stability) performed at Invitae indicates that this missense variant is expected to disrupt AXIN2 protein function. In summary, the available evidence is currently insufficient to determine the role of this variant in disease. Therefore, it has been classified as a Variant of Uncertain Significance.

Baylor Genetics
Classification: Uncertain significance for Colorectal cancer. Last evaluated: 2023-07-14. Review status: criteria provided, single submitter. Criteria: ACMG Guidelines, 2015. Collection method: clinical testing. Allele origin: unknown.

NM_004655.4(AXIN2):c.590T>A (p.Leu197His)

Gene: AXIN2 (axin 2; minus strand). Cytogenetic location: 17q24.1.
Variant type: single nucleotide variant.
Coding change: c.590T>A on transcript NM_004655.4 (MANE Select); coding-DNA position 590, T replaced by A.
Protein change: p.Leu197His; replaces leucine 197 with histidine.
Molecular consequence: missense variant.
Genome position (GRCh38, 1-based): chr17:65,558,031, A>T on the plus strand (T>A on the coding strand, the complement: AXIN2 is on the minus strand). VCF-style: chr17-65558031-A-T. GRCh37 (hg19) VCF-style: chr17-63554149-A-T.
Other names: c.590T>A, p.Leu197His (NM_001363813.1); short protein forms L197H.
Identifiers: ClinVar variation 2679877 (VCV002679877.5), dbSNP rs2044297524, ClinGen allele CA400680767.
Genomic context (GRCh38, chr17:65,558,031, plus strand): 5'-CTCCCGAGTCCCCCATTACTCATGTAAGCTGTGTTTTCTCCCCCACTCCTCACATATTCG[A>T]GGTATATATCAGAAGTCAAAAACATCTGGTAGGCATTTTCCTCCATCACCGACTGGATCT-3'
Protein context (NP_004646.3, residues 187-207): YQMFLTSDIY[Leu197His]EYVRSGGENT